The following is an entry in ClinVar:

ClinVar aggregate classification (germline): Uncertain significance (1 of 4 stars; one submission).

Conditions:
Familial hemophagocytic lymphohistiocytosis 4 (FHL4). Also called: STX11-Related Familial Hemophagocytic Lymphohistiocytosis (STX11-fHLH). Identifiers: Orphanet 540, MedGen C1863728, MONDO:0011336, OMIM 603552.

gnomAD v4.1: 2 of 1,613,968 alleles (0.00012%); highest among the groups gnomAD compares: African/African-American, 0.0013%; no homozygotes.

Submission:

Labcorp Genetics (formerly Invitae), Labcorp
Classification: Uncertain significance for Familial hemophagocytic lymphohistiocytosis 4. Last evaluated: 2022-05-30. Review status: criteria provided, single submitter. Criteria: Invitae Variant Classification Sherloc (09022015). Collection method: clinical testing. Allele origin: germline.
Comment: In summary, the available evidence is currently insufficient to determine the role of this variant in disease. Therefore, it has been classified as a Variant of Uncertain Significance. Algorithms developed to predict the effect of missense changes on protein structure and function are either unavailable or do not agree on the potential impact of this missense change (SIFT: "Deleterious"; PolyPhen-2: "Probably Damaging"; Align-GVGD: "Class C0"). This variant has not been reported in the literature in individuals affected with STX11-related conditions. This variant is present in population databases (no rsID available, gnomAD 0.0009%). This sequence change replaces aspartic acid, which is acidic and polar, with tyrosine, which is neutral and polar, at codon 196 of the STX11 protein (p.Asp196Tyr).

NM_003764.4(STX11):c.586G>T (p.Asp196Tyr)

Gene: STX11 (syntaxin 11; plus strand). Cytogenetic location: 6q24.2.
Variant type: single nucleotide variant.
Coding change: c.586G>T on transcript NM_003764.4 (MANE Select); coding-DNA position 586, G replaced by T.
Protein change: p.Asp196Tyr; replaces aspartic acid 196 with tyrosine.
Molecular consequence: missense variant.
Genome position (GRCh38, 1-based): chr6:144,187,213, G>T. VCF-style: chr6-144187213-G-T. GRCh37 (hg19) VCF-style: chr6-144508350-G-T.
Other names: short protein forms D196Y.
Identifiers: ClinVar variation 1913107 (VCV001913107.5), dbSNP rs1258867894, ClinGen allele CA365949572.